The following is an entry in ClinVar:

NM_000548.5(TSC2):c.1870G>T (p.Asp624Tyr)

Gene: TSC2 (TSC complex subunit 2; plus strand). Cytogenetic location: 16p13.3.
Variant type: single nucleotide variant.
Coding change: c.1870G>T on transcript NM_000548.5 (MANE Select); coding-DNA position 1870, G replaced by T.
Protein change: p.Asp624Tyr; replaces aspartic acid 624 with tyrosine.
Molecular consequence: missense variant.
Genome position (GRCh38, 1-based): chr16:2,071,540, G>T. VCF-style: chr16-2071540-G-T. GRCh37 (hg19) VCF-style: chr16-2121541-G-T.
Other names: c.1870G>T, p.Asp624Tyr (NM_001077183.3, NM_001114382.3, NM_001363528.2 and 6 more transcripts); c.1759G>T, p.Asp587Tyr (NM_001318827.2, NM_001406670.1, NM_001406678.1); c.1723G>T, p.Asp575Tyr (NM_001318829.2, NM_001406679.1, NM_001406675.1 and 1 more transcripts); c.1270G>T, p.Asp424Tyr (NM_001318831.2, NM_001406680.1, NM_001406682.1 and 6 more transcripts); c.1903G>T, p.Asp635Tyr (NM_001318832.2); c.1408G>T, p.Asp470Tyr (NM_001406681.1); c.526G>T, p.Asp176Tyr (NM_001406689.1, NM_001406690.1, NM_001406691.1 and 6 more transcripts); c.268G>T, p.Asp90Tyr (NM_001406698.1); and 3 more; short protein forms D176Y, D424Y, D470Y, D575Y, D587Y, D605Y, D620Y, D624Y.
Identifiers: ClinVar variation 1714452 (VCV001714452.6), dbSNP rs1334081822, ClinGen allele CA394273083.

ClinVar aggregate classification (germline): Uncertain significance. Review status: criteria provided, multiple submitters, no conflicts (2 of 4 stars). 2 submissions from 2 submitters: Uncertain significance (2). Last evaluated 2024-05-09.

Conditions:
Tuberous sclerosis 2 (TSC2). Identifiers: Orphanet 805, MedGen C1860707, MONDO:0013199, OMIM 613254.

Submissions (2):

GeneDx
Classification: Uncertain significance. Last evaluated: 2024-05-09. Review status: criteria provided, single submitter. Criteria: GeneDx Variant Classification Process June 2021. Collection method: clinical testing. Allele origin: germline. Affected: yes.
Comment: Not observed at significant frequency in large population cohorts (gnomAD); In silico analysis supports that this missense variant has a deleterious effect on protein structure/function; Has not been previously published as pathogenic or benign in association with neurodevelopmental disorder to our knowledge; This variant is associated with the following publications: (PMID: 31097095)

Labcorp Genetics (formerly Invitae), Labcorp
Classification: Uncertain significance for Tuberous sclerosis 2. Last evaluated: 2022-07-30. Review status: criteria provided, single submitter. Criteria: Invitae Variant Classification Sherloc (09022015). Collection method: clinical testing. Allele origin: germline.
Comment: This sequence change replaces aspartic acid, which is acidic and polar, with tyrosine, which is neutral and polar, at codon 624 of the TSC2 protein (p.Asp624Tyr). This variant is not present in population databases (gnomAD no frequency). This variant has not been reported in the literature in individuals affected with TSC2-related conditions. Algorithms developed to predict the effect of missense changes on protein structure and function are either unavailable or do not agree on the potential impact of this missense change (SIFT: "Deleterious"; PolyPhen-2: "Probably Damaging"; Align-GVGD: "Class C15"). In summary, the available evidence is currently insufficient to determine the role of this variant in disease. Therefore, it has been classified as a Variant of Uncertain Significance.